The following is an entry in ClinVar:

ClinVar aggregate classification (germline): Pathogenic. Review status: criteria provided, multiple submitters, no conflicts (2 of 4 stars). 2 submissions from 2 submitters: Pathogenic (2). Last evaluated 2025-01-24.

Submissions (3):

Labcorp Genetics (formerly Invitae), Labcorp
Classification: Pathogenic. Last evaluated: 2025-01-24. Review status: criteria provided, single submitter. Criteria: Invitae Variant Classification Sherloc (09022015). Collection method: clinical testing. Allele origin: germline.
Comment: This sequence change affects a donor splice site in intron 16 of the PHEX gene. It is expected to disrupt RNA splicing. Variants that disrupt the donor or acceptor splice site typically lead to a loss of protein function (PMID: 16199547), and loss-of-function variants in PHEX are known to be pathogenic (PMID: 9097956, 9106524, 19219621). This variant is not present in population databases (gnomAD no frequency). Disruption of this splice site has been observed in individual(s) with hypophosphatemia (PMID: 19219621, 30682568). ClinVar contains an entry for this variant (Variation ID: 379350). Algorithms developed to predict the effect of sequence changes on RNA splicing suggest that this variant may disrupt the consensus splice site. For these reasons, this variant has been classified as Pathogenic.

GeneDx
Classification: Pathogenic. Last evaluated: 2015-04-03. Review status: criteria provided, single submitter. Criteria: GeneDx Variant Classification (06012015). Collection method: clinical testing. Allele origin: germline. Affected: yes.
Comment: The c.1700+1 G>T splice site variant in the PHEX gene destroys the canonical splicedonor site in intron 16. It is predicted to cause abnormal gene splicing, either leading to anabnormal message that is subject to nonsense-mediated mRNA decay, or to an abnormalprotein product if the message is used for protein translation. The c.1700+1 G>T variantwas not observed in approximately 6,500 individuals of European and African Americanancestry in the NHLBI Exome Sequencing Project, indicating it is not a common benignvariant in these populations. According to the Human Gene Mutation Database (HGMD),another splice site variant involving this nucleotide (c.1700+1 G>A) has been reported inassociation with X-linked hypophosphatemic Rickets (Stenson et al., 2014). Although thisvariant has not been previously reported to our knowledge, we consider it to be pathogenic.

Dr. Peter K. Rogan Lab, Western University
No classification provided (evidence only). Condition: Thyroid cancer, nonmedullary, 1. Review status: no classification provided. Collection method: in vitro. Allele origin: not applicable. Functional consequence: retained intron. Not counted in ClinVar's aggregate classification.

Literature cited by the submitters: PubMed 16199547 (cited by Labcorp Genetics (formerly Invitae), Labcorp); PubMed 9097956 (cited by Labcorp Genetics (formerly Invitae), Labcorp); PubMed 9106524 (cited by Labcorp Genetics (formerly Invitae), Labcorp); PubMed 19219621 (cited by Labcorp Genetics (formerly Invitae), Labcorp); PubMed 30682568 (cited by Labcorp Genetics (formerly Invitae), Labcorp).

NM_000444.6(PHEX):c.1700+1G>T

Genes: PHEX (phosphate regulating endopeptidase X-linked; plus strand), PTCHD1-AS (PTCHD1 and PHEX antisense RNA; minus strand). Cytogenetic location: Xp22.11.
Variant type: single nucleotide variant.
Coding change: c.1700+1G>T on transcript NM_000444.6 (MANE Select); the canonical splice donor site of the intron after coding-DNA position 1700, G replaced by T.
Molecular consequence: splice donor variant.
Genome position (GRCh38, 1-based): chrX:22,212,959, G>T. VCF-style: chrX-22212959-G-T. GRCh37 (hg19) VCF-style: chrX-22231076-G-T.
Other names: c.1700+1G>T (NM_001282754.2).
Identifiers: ClinVar variation 379350 (VCV000379350.11), dbSNP rs1057520582, ClinGen allele CA16608867.